The following is an entry in ClinVar:

NM_000257.4(MYH7):c.5245A>G (p.Arg1749Gly)

Genes: MYH7 (myosin heavy chain 7; minus strand), LOC126861897 (BRD4-independent group 4 enhancer GRCh37_chr14:23884455-23885654; plus strand). Cytogenetic location: 14q11.2.
Variant type: single nucleotide variant.
Coding change: c.5245A>G on transcript NM_000257.4 (MANE Select); coding-DNA position 5245, A replaced by G.
Protein change: p.Arg1749Gly; replaces arginine 1749 with glycine.
Molecular consequence: missense variant.
Genome position (GRCh38, 1-based): chr14:23,415,419, T>C on the plus strand (A>G on the coding strand, the complement: MYH7 is on the minus strand). VCF-style: chr14-23415419-T-C. GRCh37 (hg19) VCF-style: chr14-23884628-T-C.
Other names: short protein forms R1749G.
Identifiers: ClinVar variation 645547 (VCV000645547.13), dbSNP rs562465062, ClinGen allele CA389036194.

ClinVar aggregate classification (germline): Uncertain significance. Review status: criteria provided, multiple submitters, no conflicts (2 of 4 stars). 2 submissions from 2 submitters: Uncertain significance (2). Last evaluated 2024-06-12.

Conditions:
Cardiovascular phenotype. Identifiers: MedGen CN230736.
Hypertrophic cardiomyopathy. Also called: HYPERTROPHIC MYOCARDIOPATHY. Identifiers: Orphanet 217569, MedGen C0007194, MeSH D002312, MONDO:0005045, HP:0001639.

Submissions (2):

Labcorp Genetics (formerly Invitae), Labcorp
Classification: Uncertain significance for Hypertrophic cardiomyopathy. Last evaluated: 2024-06-12. Review status: criteria provided, single submitter. Criteria: Invitae Variant Classification Sherloc (09022015). Collection method: clinical testing. Allele origin: germline.
Comment: This sequence change replaces arginine, which is basic and polar, with glycine, which is neutral and non-polar, at codon 1749 of the MYH7 protein (p.Arg1749Gly). This variant is not present in population databases (gnomAD no frequency). This variant has not been reported in the literature in individuals affected with MYH7-related conditions. ClinVar contains an entry for this variant (Variation ID: 645547). Advanced modeling of protein sequence and biophysical properties (such as structural, functional, and spatial information, amino acid conservation, physicochemical variation, residue mobility, and thermodynamic stability) performed at Invitae indicates that this missense variant is expected to disrupt MYH7 protein function with a positive predictive value of 95%. In summary, the available evidence is currently insufficient to determine the role of this variant in disease. Therefore, it has been classified as a Variant of Uncertain Significance.

Ambry Genetics
Classification: Uncertain significance for Cardiovascular phenotype. Last evaluated: 2020-11-25. Review status: criteria provided, single submitter. Criteria: Ambry Variant Classification Scheme 2023. Collection method: clinical testing. Allele origin: germline.
Comment: The p.R1749G variant (also known as c.5245A>G), located in coding exon 34 of the MYH7 gene, results from an A to G substitution at nucleotide position 5245. The arginine at codon 1749 is replaced by glycine, an amino acid with dissimilar properties. This amino acid position is highly conserved in available vertebrate species. In addition, the in silico prediction for this alteration is inconclusive. Since supporting evidence is limited at this time, the clinical significance of this alteration remains unclear.